The following is an entry in ClinVar:

ClinVar aggregate classification (germline): no classifications from unflagged records (0 of 4 stars; one submission).

Conditions:
Early Onset Neurological Disease Trait.

Submission:

Lupski Lab, Baylor-Hopkins CMG, Baylor College of Medicine
Classification: Uncertain significance for Early Onset Neurological Disease Trait. Review status: flagged submission. Collection method: research. Allele origin: unknown. Inheritance: X-linked inheritance. Observed: 1 variant allele.
Comment: No clinical information was provided on this sample, hence we are unable to comment on the clinical significance
ClinVar note: Notes: This submission was flagged because its interpretation of this variant conflicts with the ClinGen Gene Dosage Map curation for the gene PLP1.
ClinVar note: Reason: Conflict with ClinGen Gene Dosage Map

GRCh37/hg19 Xq22.1-22.3(chrX:102436725-105520605)x1

Genes: ESX1 (ESX homeobox 1; minus strand), TCEAL3 (transcription elongation factor A like 3; plus strand), ZCCHC18 (zinc finger CCHC-type containing 18; plus strand), TCEAL4 (transcription elongation factor A like 4; plus strand), TCEAL5 (transcription elongation factor A like 5; minus strand) and 22 more. Cytogenetic location: Xq22.1-22.3.
Variant type: copy number loss.
Change: copy number 1 of chrX:102,436,725-105,520,605 (3.08 Mb, GRCh37 coordinates, 1-based), cytogenetic band Xq22.1-22.3.
Identifiers: ClinVar variation 691847 (VCV000691847.2).